The following is an entry in ClinVar:

NM_005419.4(STAT2):c.929G>A (p.Arg310His)

Gene: STAT2 (signal transducer and activator of transcription 2; minus strand). Cytogenetic location: 12q13.3.
Variant type: single nucleotide variant.
Coding change: c.929G>A on transcript NM_005419.4 (MANE Select); coding-DNA position 929, G replaced by A.
Protein change: p.Arg310His; replaces arginine 310 with histidine.
Molecular consequence: missense variant.
Genome position (GRCh38, 1-based): chr12:56,351,304, C>T on the plus strand (G>A on the coding strand, the complement: STAT2 is on the minus strand). VCF-style: chr12-56351304-C-T. GRCh37 (hg19) VCF-style: chr12-56745088-C-T.
Other names: c.917G>A, p.Arg306His (NM_001385110.1, NM_001385115.1, NM_198332.2); c.929G>A, p.Arg310His (NM_001385111.1, NM_001385113.1, NM_001385114.1); short protein forms R310H, R306H.
Identifiers: ClinVar variation 1494529 (VCV001494529.4), dbSNP rs374561860, ClinGen allele CA237652701.

ClinVar aggregate classification (germline): Uncertain significance (1 of 4 stars; one submission).

Conditions:
Primary immunodeficiency with post-measles-mumps-rubella vaccine viral infection. Also called: Immunodeficiency 44. Identifiers: Orphanet 431166, MedGen C4225260, MONDO:0014715, OMIM 616636.

Allele frequency attached by ClinVar (database versions not stated): gnomAD exomes below 0.00001 and 0.00001; TOPMed 0.00002; gnomAD 0.00003; ESP Exome Variant Server 0.00008.
gnomAD v4.1: 22 of 1,613,888 alleles (0.0014%); highest among the groups gnomAD compares: African/African-American, 0.0027%; no homozygotes.

Submission:

Labcorp Genetics (formerly Invitae), Labcorp
Classification: Uncertain significance for Primary immunodeficiency with post-measles-mumps-rubella vaccine viral infection. Last evaluated: 2022-11-28. Review status: criteria provided, single submitter. Criteria: Invitae Variant Classification Sherloc (09022015). Collection method: clinical testing. Allele origin: germline.
Comment: ClinVar contains an entry for this variant (Variation ID: 1494529). This variant has not been reported in the literature in individuals affected with STAT2-related conditions. This variant is not present in population databases (gnomAD no frequency). This sequence change replaces arginine, which is basic and polar, with histidine, which is basic and polar, at codon 310 of the STAT2 protein (p.Arg310His). Advanced modeling of protein sequence and biophysical properties (such as structural, functional, and spatial information, amino acid conservation, physicochemical variation, residue mobility, and thermodynamic stability) performed at Invitae indicates that this missense variant is not expected to disrupt STAT2 protein function. In summary, the available evidence is currently insufficient to determine the role of this variant in disease. Therefore, it has been classified as a Variant of Uncertain Significance.